The following is an entry in ClinVar:

NM_001330677.2(TBX15):c.1024+3A>G

Gene: TBX15 (T-box transcription factor 15; minus strand). Cytogenetic location: 1p12.
Variant type: single nucleotide variant.
Coding change: c.1024+3A>G on transcript NM_001330677.2 (MANE Select); 3 bases into the intron after coding-DNA position 1024, A replaced by G.
Molecular consequence: intron variant.
Genome position (GRCh38, 1-based): chr1:118,899,025, T>C on the plus strand (A>G on the coding strand, the complement: TBX15 is on the minus strand). VCF-style: chr1-118899025-T-C. GRCh37 (hg19) VCF-style: chr1-119441648-T-C.
Other names: c.706+3A>G (NM_152380.3).
Identifiers: ClinVar variation 2417587 (VCV002417587.2), dbSNP rs772725669, ClinGen allele CA1034928.

ClinVar aggregate classification (germline): Uncertain significance (1 of 4 stars; one submission).

Allele frequency attached by ClinVar (database versions not stated): ExAC 0.00001; gnomAD 0.00003; gnomAD exomes 0.00006; TOPMed 0.00006.
gnomAD v4.1: 93 of 1,613,374 alleles (0.0058%); highest among the groups gnomAD compares: Non-Finnish European, 0.0074%; no homozygotes.

Submission:

Labcorp Genetics (formerly Invitae), Labcorp
Classification: Uncertain significance. Last evaluated: 2022-07-23. Review status: criteria provided, single submitter. Criteria: Invitae Variant Classification Sherloc (09022015). Collection method: clinical testing. Allele origin: germline.
Comment: This sequence change falls in intron 7 of the TBX15 gene. It does not directly change the encoded amino acid sequence of the TBX15 protein. It affects a nucleotide within the consensus splice site. This variant is present in population databases (rs772725669, gnomAD 0.007%). This variant has not been reported in the literature in individuals affected with TBX15-related conditions. Variants that disrupt the consensus splice site are a relatively common cause of aberrant splicing (PMID: 17576681, 9536098). Algorithms developed to predict the effect of sequence changes on RNA splicing suggest that this variant is not likely to affect RNA splicing. In summary, the available evidence is currently insufficient to determine the role of this variant in disease. Therefore, it has been classified as a Variant of Uncertain Significance.

Literature cited by the submitters: PubMed 17576681; PubMed 9536098.